The following is an entry in ClinVar:

ClinVar aggregate classification (germline): Benign/Likely benign. Review status: criteria provided, multiple submitters, no conflicts (2 of 4 stars). 4 submissions from 4 submitters: Benign (1); Likely benign (3). Last evaluated 2026-08-01.

Allele frequency attached by ClinVar (database versions not stated): ExAC 0.00005; gnomAD exomes 0.00355; 1000 Genomes Project 30x 0.01452; gnomAD 0.01733 and 0.01775.

Submissions (4):

CeGaT Center for Human Genetics Tuebingen
Classification: Likely benign. Last evaluated: 2026-08-01. Review status: criteria provided, single submitter. Criteria: CeGaT Center For Human Genetics Tuebingen Variant Classification Criteria Version 2. Collection method: clinical testing. Allele origin: germline. Affected: yes. Observed: 23 variant alleles.
Comment: NEFH: BP4, BP7, BS1

Labcorp Genetics (formerly Invitae), Labcorp
Classification: Benign. Last evaluated: 2026-01-08. Review status: criteria provided, single submitter. Criteria: Invitae Variant Classification Sherloc (09022015). Collection method: clinical testing. Allele origin: germline.

GeneDx
Classification: Likely benign. Last evaluated: 2019-01-18. Review status: criteria provided, single submitter. Criteria: GeneDx Variant Classification Process June 2021. Collection method: clinical testing. Allele origin: germline. Affected: yes.

Breakthrough Genomics
Classification: Likely benign. Review status: criteria provided, single submitter. Criteria: ACMG Guidelines, 2015. Collection method: not provided. Allele origin: germline. Inheritance: Autosomal recessive inheritance. Affected: yes.

NM_021076.4(NEFH):c.2022A>C (p.Ala674=)

Gene: NEFH (neurofilament heavy chain; plus strand). Cytogenetic location: 22q12.2.
Variant type: single nucleotide variant.
Coding change: c.2022A>C on transcript NM_021076.4 (MANE Select); coding-DNA position 2022, A replaced by C.
Protein change: p.Ala674=; no amino-acid change (alanine 674 retained).
Molecular consequence: synonymous variant.
Genome position (GRCh38, 1-based): chr22:29,489,662, A>C. VCF-style: chr22-29489662-A-C. GRCh37 (hg19) VCF-style: chr22-29885651-A-C.
Identifiers: ClinVar variation 1219609 (VCV001219609.39), dbSNP rs763507482, ClinGen allele CA10174342.
Genomic context (GRCh38, chr22:29,489,662, plus strand): 5'-CCCAGAGAAGGAAGAGGCCAAGTCCCCTGAGAAGGCCAAGTCCCCAGTGAAGGCAGAAGC[A>C]AAGTCCCCTGAGAAGGCCAAGTCCCCAGTGAAGGCAGAAGCAAAGTCCCCTGAGAAGGCC-3'
Protein context (NP_066554.2, residues 664-684): EKAKSPVKAE[Ala674=]KSPEKAKSPV